The following is an entry in ClinVar:

ClinVar aggregate classification (germline): Uncertain significance (1 of 4 stars; one submission).

Conditions:
Epidermolysis bullosa simplex 3, localized or generalized intermediate, with BP230 deficiency (EBS3). Also called: Epidermolysis bullosa simplex, autosomal recessive 2; Epidermolysis bullosa simplex due to BP230 deficiency. Identifiers: Orphanet 412181, MedGen C3809470, MONDO:0014180, OMIM 615425.
Hereditary sensory and autonomic neuropathy type 6. Also called: HSAN VI; Neuropathy, hereditary sensory and autonomic, type VI. Identifiers: Orphanet 314381, MedGen C3539003, MONDO:0013839, OMIM 614653.

gnomAD v4.1: 4 of 1,610,934 alleles (0.00025%); highest among the groups gnomAD compares: South Asian, 0.0011%; no homozygotes.

Submission:

Labcorp Genetics (formerly Invitae), Labcorp
Classification: Uncertain significance for Epidermolysis bullosa simplex 3, localized or generalized intermediate, with BP230 deficiency; Hereditary sensory and autonomic neuropathy type 6. Last evaluated: 2025-09-20. Review status: criteria provided, single submitter. Criteria: Invitae Variant Classification Sherloc (09022015). Collection method: clinical testing. Allele origin: germline.
Comment: The DST gene has multiple clinically relevant transcripts. This variant occurs in alternate transcript NM_015548.4, and corresponds to NM_001723.5:c.*83059G>A in the primary transcript. This sequence change replaces arginine, which is basic and polar, with glutamine, which is neutral and polar, at codon 3042 of the DST protein (p.Arg3042Gln). This variant is not present in population databases (gnomAD no frequency). This variant has not been reported in the literature in individuals affected with DST-related conditions. Experimental studies and prediction algorithms are not available or were not evaluated, and the functional significance of this variant is currently unknown. In summary, the available evidence is currently insufficient to determine the role of this variant in disease. Therefore, it has been classified as a Variant of Uncertain Significance.

NM_001374736.1(DST):c.16994G>A (p.Arg5665Gln)

Gene: DST (dystonin; minus strand). Cytogenetic location: 6p12.1.
Variant type: single nucleotide variant.
Coding change: c.16994G>A on transcript NM_001374736.1 (MANE Select); coding-DNA position 16994, G replaced by A.
Protein change: p.Arg5665Gln; replaces arginine 5665 with glutamine.
Molecular consequence: missense variant.
Genome position (GRCh38, 1-based): chr6:56,532,458, C>T on the plus strand (G>A on the coding strand, the complement: DST is on the minus strand). VCF-style: chr6-56532458-C-T. GRCh37 (hg19) VCF-style: chr6-56397256-C-T.
Other names: c.10637G>A, p.Arg3546Gln (NM_001144769.5); c.10223G>A, p.Arg3408Gln (NM_001144770.2); c.16994G>A, p.Arg5665Gln (NM_001374722.1); c.16361G>A, p.Arg5454Gln (NM_001374729.1); c.10103G>A, p.Arg3368Gln (NM_001374730.1, NM_001386100.1, NM_183380.4); c.17021G>A, p.Arg5674Gln (NM_001374734.1); c.9125G>A, p.Arg3042Gln (NM_015548.5); short protein forms R3042Q, R3368Q, R5454Q, R3408Q, R5674Q, R3546Q, R5665Q.
Identifiers: ClinVar variation 4787800 (VCV004787800.1).